The following is an entry in ClinVar:

ClinVar aggregate classification (germline): Likely benign (0 of 4 stars; one submission).

Conditions:
MUC16-related disorder. Also called: MUC16-related condition.

Allele frequency attached by ClinVar (database versions not stated): gnomAD 0.00646; 1000 Genomes Project 30x 0.04888.

Submission:

PreventionGenetics, part of Exact Sciences
Classification: Likely benign for MUC16-related condition. Last evaluated: 2019-10-18. Review status: no assertion criteria provided. Collection method: clinical testing. Allele origin: germline.
Comment: This variant is classified as likely benign based on ACMG/AMP sequence variant interpretation guidelines (Richards et al. 2015 PMID: 25741868, with internal and published modifications).

NM_001401501.2(MUC16):c.43077T>C (p.Pro14359=)

Gene: MUC16 (mucin 16, cell surface associated; minus strand). Cytogenetic location: 19p13.2.
Variant type: single nucleotide variant.
Coding change: c.43077T>C on transcript NM_001401501.2 (MANE Select); coding-DNA position 43077, T replaced by C.
Protein change: p.Pro14359=; no amino-acid change (proline 14359 retained).
Molecular consequence: synonymous variant.
Genome position (GRCh38, 1-based): chr19:8,889,530, A>G on the plus strand (T>C on the coding strand, the complement: MUC16 is on the minus strand). VCF-style: chr19-8889530-A-G. GRCh37 (hg19) VCF-style: chr19-9000206-A-G.
Other names: c.43503T>C, p.Pro14501= (NM_001414686.1); c.42957T>C, p.Pro14319= (NM_001414687.1); c.40551T>C, p.Pro13517= (NM_024690.2).
Identifiers: ClinVar variation 3060690 (VCV003060690.2), dbSNP rs1321112843, ClinGen allele CA505284477.